The following is an entry in ClinVar:

NM_001458.5(FLNC):c.1902G>A (p.Glu634=)

Gene: FLNC (filamin C; plus strand). Cytogenetic location: 7q32.1.
Variant type: single nucleotide variant.
Coding change: c.1902G>A on transcript NM_001458.5 (MANE Select); coding-DNA position 1902, G replaced by A.
Protein change: p.Glu634=; no amino-acid change (glutamic acid 634 retained).
Molecular consequence: synonymous variant.
Genome position (GRCh38, 1-based): chr7:128,841,258, G>A. VCF-style: chr7-128841258-G-A. GRCh37 (hg19) VCF-style: chr7-128481312-G-A.
Other names: p.Glu634=; c.1902G>A, p.Glu634= (NM_001127487.2).
Identifiers: ClinVar variation 194038 (VCV000194038.65), dbSNP rs12536635, ClinGen allele CA200929.

ClinVar aggregate classification (germline): Benign/Likely benign. Review status: criteria provided, multiple submitters, no conflicts (2 of 4 stars). 18 submissions from 18 submitters: Benign (12); Likely benign (2). 4 of the submissions do not count toward it. Last evaluated 2026-09-01.

Conditions:
Distal myopathy with posterior leg and anterior hand involvement. Also called: WILLIAMS DISTAL MYOPATHY. Identifiers: Orphanet 63273, MedGen C3279722, MONDO:0013550, OMIM 614065.
Hypertrophic cardiomyopathy 26. Also called: Cardiomyopathy, familial hypertrophic, 26. Identifiers: Orphanet 75249, MedGen C4310749, MONDO:0014883, OMIM 617047.
Myofibrillar myopathy 5. Also called: Filaminopathy (type); FILAMINOPATHY, AUTOSOMAL DOMINANT. Identifiers: Orphanet 171445, MedGen C1836050, MONDO:0012289, OMIM 609524.
Cardiovascular phenotype. Identifiers: MedGen CN230736.
Cardiomyopathy (CMYO). Also called: Cardiomyopathies. Identifiers: Orphanet 167848, MedGen C0878544, MONDO:0004994, HP:0001638. Inheritance: Various modes of inheritance.

Allele frequency attached by ClinVar (database versions not stated): 1000 Genomes Project 0.00160; 1000 Genomes Project 30x 0.00187; ESP Exome Variant Server 0.00396; gnomAD 0.00403 and 0.00414; ExAC 0.00412; gnomAD exomes 0.00430 and 0.00637; TOPMed 0.00440.

Submissions (18):

CeGaT Center for Human Genetics Tuebingen
Classification: Benign. Last evaluated: 2026-09-01. Review status: criteria provided, single submitter. Criteria: CeGaT Center For Human Genetics Tuebingen Variant Classification Criteria Version 2. Collection method: clinical testing. Allele origin: germline. Affected: yes. Observed: 76 variant alleles.
Comment: FLNC: BP4, BS1, BS2

Labcorp Genetics (formerly Invitae), Labcorp
Classification: Benign for Distal myopathy with posterior leg and anterior hand involvement; Myofibrillar myopathy 5; Hypertrophic cardiomyopathy 26. Last evaluated: 2026-02-03. Review status: criteria provided, single submitter. Criteria: Invitae Variant Classification Sherloc (09022015). Collection method: clinical testing. Allele origin: germline.

Molecular Diagnostic Laboratory for Inherited Cardiovascular Disease, Montreal Heart Institute
Classification: Benign. Last evaluated: 2025-04-09. Review status: criteria provided, single submitter. Criteria: ACMG Guidelines, 2015. Collection method: clinical testing. Allele origin: germline. Affected: no.

Blueprint Genetics
Classification: Likely benign. Last evaluated: 2024-11-27. Review status: criteria provided, single submitter. Criteria: ACMG Guidelines, 2015. Collection method: clinical testing. Allele origin: germline.

ARUP Laboratories, Molecular Genetics and Genomics, ARUP Laboratories
Classification: Benign. Last evaluated: 2024-10-11. Review status: criteria provided, single submitter. Criteria: ARUP Molecular Germline Variant Investigation Process 2024. Collection method: clinical testing. Allele origin: germline.

Athena Diagnostics
Classification: Benign. Last evaluated: 2023-12-01. Review status: criteria provided, single submitter. Criteria: Athena Diagnostics Criteria. Collection method: clinical testing. Allele origin: unknown.

Women's Health and Genetics/Laboratory Corporation of America, LabCorp
Classification: Benign. Last evaluated: 2023-08-19. Review status: criteria provided, single submitter. Criteria: LabCorp Variant Classification Summary - May 2015. Collection method: clinical testing. Allele origin: germline.

Mayo Clinic Laboratories, Mayo Clinic
Classification: Benign. Last evaluated: 2023-06-16. Review status: criteria provided, single submitter. Criteria: ACMG Guidelines, 2015. Collection method: clinical testing. Allele origin: germline. Observed: 15 variant alleles.
Comment: BS1, BS2, BP4, BP7

CHEO Genetics Diagnostic Laboratory, Children's Hospital of Eastern Ontario
Classification: Benign for Cardiomyopathy. Last evaluated: 2023-05-16. Review status: criteria provided, single submitter. Criteria: ACMG Guidelines, 2015. Collection method: clinical testing. Allele origin: germline.

Ambry Genetics
Classification: Likely benign for Cardiovascular phenotype. Last evaluated: 2019-01-02. Review status: criteria provided, single submitter. Criteria: Ambry Variant Classification Scheme 2023. Collection method: clinical testing. Allele origin: germline.

GeneDx
Classification: Benign. Last evaluated: 2016-03-11. Review status: criteria provided, single submitter. Criteria: GeneDx Variant Classification (06012015). Collection method: clinical testing. Allele origin: germline. Affected: yes.
Comment: This variant is considered likely benign or benign based on one or more of the following criteria: it is a conservative change, it occurs at a poorly conserved position in the protein, it is predicted to be benign by multiple in silico algorithms, and/or has population frequency not consistent with disease.

Eurofins Ntd Llc (ga)
Classification: Benign. Last evaluated: 2014-11-21. Review status: criteria provided, single submitter. Criteria: EGL Classification Definitions 2015. Collection method: clinical testing. Allele origin: germline. Observed: 1 variant allele, 1 heterozygote.

Breakthrough Genomics
Classification: Benign. Review status: criteria provided, single submitter. Criteria: ACMG Guidelines, 2015. Collection method: not provided. Allele origin: germline. Inheritance: Autosomal dominant inheritance. Affected: yes.

PreventionGenetics, part of Exact Sciences
Classification: Benign. Review status: criteria provided, single submitter. Criteria: ACMG Guidelines, 2015. Collection method: clinical testing. Allele origin: germline.

Clinical Genetics DNA and cytogenetics Diagnostics Lab, Erasmus MC, Erasmus Medical Center
Classification: Likely benign. Review status: no assertion criteria provided. Collection method: clinical testing. Allele origin: germline. Affected: yes. Study: VKGL Data-share Consensus. Not counted in ClinVar's aggregate classification.

Clinical Genetics, Academic Medical Center
Classification: Benign. Review status: no assertion criteria provided. Collection method: clinical testing. Allele origin: germline. Affected: yes. Study: VKGL Data-share Consensus. Not counted in ClinVar's aggregate classification.

Joint Genome Diagnostic Labs from Nijmegen and Maastricht, Radboudumc and MUMC+
Classification: Benign. Review status: no assertion criteria provided. Collection method: clinical testing. Allele origin: germline. Affected: yes. Study: VKGL Data-share Consensus. Not counted in ClinVar's aggregate classification.

Laboratory of Diagnostic Genome Analysis, Leiden University Medical Center (LUMC)
Classification: Likely benign. Review status: no assertion criteria provided. Collection method: clinical testing. Allele origin: germline. Affected: yes. Study: VKGL Data-share Consensus. Not counted in ClinVar's aggregate classification.

Literature cited by the submitters: PubMed 28213671 (cited by Athena Diagnostics).